The following is an entry in ClinVar:

NM_001042492.3(NF1):c.4460C>G (p.Pro1487Arg)

Gene: NF1 (neurofibromin 1; plus strand). Cytogenetic location: 17q11.2.
Variant type: single nucleotide variant.
Coding change: c.4460C>G on transcript NM_001042492.3 (MANE Select); coding-DNA position 4460, C replaced by G.
Protein change: p.Pro1487Arg; replaces proline 1487 with arginine.
Molecular consequence: missense variant.
Genome position (GRCh38, 1-based): chr17:31,260,398, C>G. VCF-style: chr17-31260398-C-G. GRCh37 (hg19) VCF-style: chr17-29587416-C-G.
Other names: c.4397C>G, p.Pro1466Arg (NM_000267.4); short protein forms P1466R, P1487R.
Identifiers: ClinVar variation 3879040 (VCV003879040.2).

ClinVar aggregate classification (germline): Uncertain significance. Review status: criteria provided, multiple submitters, no conflicts (2 of 4 stars). 2 submissions from 2 submitters: Uncertain significance (2). Last evaluated 2026-01-06.

Conditions:
Cardiovascular phenotype. Identifiers: MedGen CN230736.
Hereditary cancer-predisposing syndrome. Also called: Neoplastic Syndromes, Hereditary; Tumor predisposition; Hereditary neoplastic syndrome; Hereditary Cancer Syndrome. Identifiers: Orphanet 140162, MedGen C0027672, MeSH D009386, MONDO:0015356.
Neurofibromatosis, type 1 (NF1). Also called: VON RECKLINGHAUSEN DISEASE; Peripheral type neurofibromatosis; Neurofibromatosis, type I; NEUROFIBROMATOSIS, TYPE I, SOMATIC. Identifiers: Orphanet 636, MedGen C0027831, MONDO:0018975, OMIM 162200. Disease mechanism: loss of function.

Submissions (2):

Labcorp Genetics (formerly Invitae), Labcorp
Classification: Uncertain significance for Neurofibromatosis, type 1. Last evaluated: 2026-01-06. Review status: criteria provided, single submitter. Criteria: Invitae Variant Classification Sherloc (09022015). Collection method: clinical testing. Allele origin: germline.
Comment: This sequence change replaces proline, which is neutral and non-polar, with arginine, which is basic and polar, at codon 1466 of the NF1 protein (p.Pro1466Arg). This variant is not present in population databases (gnomAD no frequency). This variant has not been reported in the literature in individuals affected with NF1-related conditions. ClinVar contains an entry for this variant (Variation ID: 3879040). Invitae Evidence Modeling of protein sequence and biophysical properties (such as structural, functional, and spatial information, amino acid conservation, physicochemical variation, residue mobility, and thermodynamic stability) has been performed for this missense variant. However, the output from this modeling did not meet the statistical confidence thresholds required to predict the impact of this variant on NF1 protein function. In summary, the available evidence is currently insufficient to determine the role of this variant in disease. Therefore, it has been classified as a Variant of Uncertain Significance.

Ambry Genetics
Classification: Uncertain significance for Cardiovascular phenotype; Hereditary cancer-predisposing syndrome. Last evaluated: 2025-01-03. Review status: criteria provided, single submitter. Criteria: Ambry Variant Classification Scheme 2023. Collection method: clinical testing. Allele origin: germline.
Comment: The p.P1466R variant (also known as c.4397C>G), located in coding exon 33 of the NF1 gene, results from a C to G substitution at nucleotide position 4397. The proline at codon 1466 is replaced by arginine, an amino acid with dissimilar properties. This amino acid position is conserved. In addition, this alteration is predicted to be deleterious by in silico analysis. Based on the available evidence, the clinical significance of this variant remains unclear.